The following is an entry in ClinVar:

ClinVar aggregate classification (germline): Conflicting classifications of pathogenicity. Review status: criteria provided, conflicting classifications (1 of 4 stars). 7 submissions from 7 submitters: Likely pathogenic (2); Uncertain significance (4). 1 of the submissions does not count toward it. Last evaluated 2026-03-30.

Conditions:
MCCC1-related disorder. Also called: MCCC1-related condition.
Inborn genetic diseases. Identifiers: MedGen C0950123, MeSH D030342.
3-methylcrotonyl-CoA carboxylase 1 deficiency (MCC1D). Also called: MCCD TYPE 1; MCC 1 deficiency; 3 Alpha methylcrotonylglycinuria 1; METHYLCROTONYLGLYCINURIA TYPE I. Identifiers: Orphanet 6, MedGen CN028786, MONDO:0008861, OMIM 210200.

Allele frequency attached by ClinVar (database versions not stated): TOPMed below 0.00001; gnomAD exomes 0.00001; gnomAD 0.00001.

Submissions (7):

Ambry Genetics
Classification: Likely pathogenic for Inborn genetic diseases. Last evaluated: 2026-03-30. Review status: criteria provided, single submitter. Criteria: Ambry Variant Classification Scheme 2023. Collection method: clinical testing. Allele origin: germline.
Comment: The c.694C>T (p.R232W) alteration is located in exon 7 (coding exon 7) of the MCCC1 gene. This alteration results from a C to T substitution at nucleotide position 694, causing the arginine (R) at amino acid position 232 to be replaced by a tryptophan (W). This variant was not reported in population-based cohorts in the Genome Aggregation Database (gnomAD). This amino acid position is highly conserved in available vertebrate species. This alteration is predicted to be deleterious by in silico analysis. Based on the available evidence, this alteration is classified as likely pathogenic.

GeneDx
Classification: Uncertain significance. Last evaluated: 2025-05-03. Review status: criteria provided, single submitter. Criteria: GeneDx Variant Classification Process June 2021. Collection method: clinical testing. Allele origin: germline. Affected: yes.
Comment: Reported in the published literature in a patient with MCC deficiency identified on newborn screen (PMID: 16010683); In silico analysis supports that this missense variant has a deleterious effect on protein structure/function; Not observed at significant frequency in large population cohorts (gnomAD); This variant is associated with the following publications: (PMID: 16010683, 24516753)

Fulgent Genetics
Classification: Likely pathogenic for 3-methylcrotonyl-CoA carboxylase 1 deficiency. Last evaluated: 2024-03-02. Review status: criteria provided, single submitter. Criteria: ACMG Guidelines, 2015. Collection method: clinical testing. Allele origin: germline.

PreventionGenetics, part of Exact Sciences
Classification: Uncertain significance for MCCC1-related condition. Last evaluated: 2023-08-17. Review status: criteria provided, single submitter. Criteria: ACMG Guidelines, 2015. Collection method: clinical testing. Allele origin: germline.
Comment: The MCCC1 c.694C>T variant is predicted to result in the amino acid substitution p.Arg232Trp. This individual was ascertained due to abnormal newborn screening results, and follow-up studies showed that this individual had largely normal development (Dantas et al. 2005. PubMed ID: 16010683; Grünert et al. 2012. PubMed ID: 22642865). This variant was also documented in a different cohort with abnormal newborn screening results (Al-Jasmi et al. 2016. PubMed ID: 26589311). This variant has not been reported in a large population database, indicating this variant is rare. Although we suspect that this variant may be pathogenic, at this time, the clinical significance of this variant is uncertain due to the absence of conclusive functional and genetic evidence.

Labcorp Genetics (formerly Invitae), Labcorp
Classification: Uncertain significance for 3-methylcrotonyl-CoA carboxylase 1 deficiency. Last evaluated: 2022-10-18. Review status: criteria provided, single submitter. Criteria: Invitae Variant Classification Sherloc (09022015). Collection method: clinical testing. Allele origin: germline.
Comment: This sequence change replaces arginine, which is basic and polar, with tryptophan, which is neutral and slightly polar, at codon 232 of the MCCC1 protein (p.Arg232Trp). This variant is not present in population databases (gnomAD no frequency). This missense change has been observed in individual(s) with 3 Methylcrotonyl-CoA carboxylase deficiency (PMID: 16010683). ClinVar contains an entry for this variant (Variation ID: 167272). Advanced modeling of protein sequence and biophysical properties (such as structural, functional, and spatial information, amino acid conservation, physicochemical variation, residue mobility, and thermodynamic stability) performed at Invitae indicates that this missense variant is expected to disrupt MCCC1 protein function. In summary, the available evidence is currently insufficient to determine the role of this variant in disease. Therefore, it has been classified as a Variant of Uncertain Significance.

Eurofins Ntd Llc (ga)
Classification: Uncertain significance. Last evaluated: 2014-02-21. Review status: criteria provided, single submitter. Criteria: EGL Classification Definitions 2015. Collection method: clinical testing. Allele origin: germline. Observed: 1 variant allele, 1 heterozygote.

Natera, Inc.
Classification: Uncertain significance for 3-methylcrotonyl-CoA carboxylase 1 deficiency. Last evaluated: 2021-09-30. Review status: no assertion criteria provided. Collection method: clinical testing. Allele origin: germline. Not counted in ClinVar's aggregate classification.

Literature cited by the submitters: PubMed 16010683 (cited by Labcorp Genetics (formerly Invitae), Labcorp).

NM_020166.5(MCCC1):c.694C>T (p.Arg232Trp)

Gene: MCCC1 (methylcrotonyl-CoA carboxylase subunit 1; minus strand). Cytogenetic location: 3q27.1.
Variant type: single nucleotide variant.
Coding change: c.694C>T on transcript NM_020166.5 (MANE Select); coding-DNA position 694, C replaced by T.
Protein change: p.Arg232Trp; replaces arginine 232 with tryptophan.
Molecular consequence: missense variant. On other transcripts: non-coding transcript variant (2).
Genome position (GRCh38, 1-based): chr3:183,071,066, G>A on the plus strand (C>T on the coding strand, the complement: MCCC1 is on the minus strand). VCF-style: chr3-183071066-G-A. GRCh37 (hg19) VCF-style: chr3-182788854-G-A.
Other names: c.694C>T (NM_020166.3); c.343C>T, p.Arg115Trp (NM_001293273.2); c.367C>T, p.Arg123Trp (NM_001363880.1); short protein forms R232W, R123W, R115W.
Identifiers: ClinVar variation 167272 (VCV000167272.24), dbSNP rs727504004, ClinGen allele CA234240.